The following is an entry in ClinVar:

ClinVar aggregate classification (germline): Pathogenic (1 of 4 stars; one submission).

Conditions:
Nephronophthisis. Also called: Juvenile Nephronophthisis. Identifiers: Orphanet 655, MedGen C0687120, MONDO:0019005, HP:0000090.
Jeune thoracic dystrophy. Also called: Short-rib thoracic dysplasia; Jeune syndrome; Infantile thoracic dystrophy; Thoracic pelvic phalangeal dystrophy; Jeune's syndrome; Chondroectodermal dysplasia-like syndrome. Identifiers: Orphanet 474, MedGen C0265275, MONDO:0018770.

Submission:

Labcorp Genetics (formerly Invitae), Labcorp
Classification: Pathogenic for Jeune thoracic dystrophy; Nephronophthisis. Last evaluated: 2025-05-05. Review status: criteria provided, single submitter. Criteria: Invitae Variant Classification Sherloc (09022015). Collection method: clinical testing. Allele origin: germline.
Comment: This sequence change creates a premature translational stop signal (p.Cys937*) in the TTC21B gene. It is expected to result in an absent or disrupted protein product. Loss-of-function variants in TTC21B are known to be pathogenic (PMID: 18327258, 21068128, 21258341, 23559409, 24876116, 25492405, 27491411, 29068549). This variant is not present in population databases (gnomAD no frequency). This variant has not been reported in the literature in individuals affected with TTC21B-related conditions. For these reasons, this variant has been classified as Pathogenic.

Literature cited by the submitters: PubMed 18327258; PubMed 21068128; PubMed 21258341; PubMed 23559409; PubMed 24876116; PubMed 25492405; PubMed 27491411; PubMed 29068549.

NM_024753.5(TTC21B):c.2804_2810dup (p.Cys937Ter)

Gene: TTC21B (tetratricopeptide repeat domain 21B; minus strand). Cytogenetic location: 2q24.3.
Variant type: Duplication.
Coding change: c.2804_2810dup on transcript NM_024753.5 (MANE Select); coding-DNA positions 2804 to 2810, 7 bases duplicated (ATTCCTG; older notation c.2804_2810dupATTCCTG).
Protein change: p.Cys937Ter; replaces cysteine 937 with a stop codon.
Molecular consequence: nonsense.
Genome position (GRCh38, 1-based): chr2:165,899,828-165,899,834, CAGGAAT duplicated on the plus strand (ATTCCTG on the coding strand, the reverse complement: TTC21B is on the minus strand); duplicating any 7 consecutive bases within chr2:165,899,828-165,899,838 gives the same sequence; the c. name uses the placement nearest the transcript's 3' end. VCF-style (leftmost placement, unchanged base first): chr2-165899827-G-GCAGGAAT. GRCh37 (hg19) VCF-style: chr2-166756337-G-GCAGGAAT.
Other names: short protein forms C937*.
Identifiers: ClinVar variation 4791895 (VCV004791895.1).